The following is an entry in ClinVar:

GRCh37/hg19 22q13.2(chr22:42486662-42540449)x3

Genes: CYP2D6 (cytochrome P450 family 2 subfamily D member 6; minus strand), NDUFA6 (NADH:ubiquinone oxidoreductase subunit A6; minus strand). Cytogenetic location: 22q13.2.
Variant type: copy number gain.
Change: copy number 3 (three copies instead of two) of chr22:42,486,662-42,540,449 (53.8 kb, GRCh37 coordinates, 1-based), cytogenetic band 22q13.2.
Identifiers: ClinVar variation 393742 (VCV000393742.3).

ClinVar aggregate classification (germline): Benign/Likely benign (0 of 4 stars; one submission).

Submission:

ISCA Site 6
Classification: Benign/Likely benign. Review status: no assertion criteria provided. Collection method: clinical testing. Allele origin: unknown. Affected: yes. Observed: 2 variant alleles.
Comment: Likely benign (1), Benign (1)

Copy number variation identified through the course of routine clinical cytogenomic testing in postnatal populations, with clinical assertions as classified by the original submitter. For data from the original published study, Kaminsky, et al. 2011 (PubMed 21844811), please see nstd101.